The following is an entry in ClinVar:

ClinVar aggregate classification (germline): Uncertain significance (1 of 4 stars; one submission).

Conditions:
Hereditary spastic paraplegia 50 (SPG50). Also called: Spastic paraplegia 50, autosomal recessive. Identifiers: Orphanet 280763, MedGen C2752008, MONDO:0013048, OMIM 612936.

Allele frequency attached by ClinVar (database versions not stated): gnomAD exomes below 0.00001.
gnomAD v4.1: 1 of 1,614,112 alleles (0.000062%); highest among the groups gnomAD compares: Non-Finnish European, 0.000085%; no homozygotes.

Submission:

Labcorp Genetics (formerly Invitae), Labcorp
Classification: Uncertain significance for Hereditary spastic paraplegia 50. Last evaluated: 2024-01-22. Review status: criteria provided, single submitter. Criteria: Invitae Variant Classification Sherloc (09022015). Collection method: clinical testing. Allele origin: germline.
Comment: This sequence change replaces leucine, which is neutral and non-polar, with valine, which is neutral and non-polar, at codon 332 of the AP4M1 protein (p.Leu332Val). This variant is not present in population databases (gnomAD no frequency). This variant has not been reported in the literature in individuals affected with AP4M1-related conditions. ClinVar contains an entry for this variant (Variation ID: 1426066). Advanced modeling of protein sequence and biophysical properties (such as structural, functional, and spatial information, amino acid conservation, physicochemical variation, residue mobility, and thermodynamic stability) performed at Invitae indicates that this missense variant is not expected to disrupt AP4M1 protein function with a negative predictive value of 80%. In summary, the available evidence is currently insufficient to determine the role of this variant in disease. Therefore, it has been classified as a Variant of Uncertain Significance.

NM_004722.4(AP4M1):c.994C>G (p.Leu332Val)

Gene: AP4M1 (adaptor related protein complex 4 subunit mu 1; plus strand). Cytogenetic location: 7q22.1.
Variant type: single nucleotide variant.
Coding change: c.994C>G on transcript NM_004722.4 (MANE Select); coding-DNA position 994, C replaced by G.
Protein change: p.Leu332Val; replaces leucine 332 with valine.
Molecular consequence: missense variant.
Genome position (GRCh38, 1-based): chr7:100,106,260, C>G. VCF-style: chr7-100106260-C-G. GRCh37 (hg19) VCF-style: chr7-99703883-C-G.
Other names: c.1015C>G, p.Leu339Val (NM_001363671.2); short protein forms L332V, L339V.
Identifiers: ClinVar variation 1426066 (VCV001426066.7), dbSNP rs2116668165, ClinGen allele CA368474414.